The following is an entry in ClinVar:

NM_152419.3(HGSNAT):c.1543-2A>G

Gene: HGSNAT (heparan-alpha-glucosaminide N-acetyltransferase; plus strand). Cytogenetic location: 8p11.21.
Variant type: single nucleotide variant.
Coding change: c.1543-2A>G on transcript NM_152419.3 (MANE Select); the canonical splice acceptor site of the intron before coding-DNA position 1543, A replaced by G.
Molecular consequence: splice acceptor variant.
Genome position (GRCh38, 1-based): chr8:43,197,670, A>G. VCF-style: chr8-43197670-A-G. GRCh37 (hg19) VCF-style: chr8-43052813-A-G.
Other names: c.1630-2A>G (NM_001363227.2); c.679-2A>G (NM_001363229.2); c.1351-2A>G (NM_001363228.2); c.1543-2A>G (NM_152419.2).
Identifiers: ClinVar variation 1502696 (VCV001502696.9), dbSNP rs1804769861, ClinGen allele CA371120399.

ClinVar aggregate classification (germline): Pathogenic/Likely pathogenic. Review status: criteria provided, multiple submitters, no conflicts (2 of 4 stars). 4 submissions from 4 submitters: Pathogenic (1); Likely pathogenic (3). Last evaluated 2024-04-15.

Conditions:
HGSNAT-related disorders.
Mucopolysaccharidosis, MPS-III-C (MPS3C). Also called: SANFILIPPO SYNDROME C; MPS III C; MPS IIIC (Sanfilippo Syndrome Type C); MUCOPOLYSACCHARIDOSIS, TYPE IIIC; Mucopolysaccharidosis type IIIC (Sanfilippo C); mucopolysaccharidosis type 3C. Identifiers: Orphanet 581, Orphanet 79271, MedGen C0086649, MONDO:0009657, OMIM 252930.
Retinitis pigmentosa 73 (RP73). Identifiers: Orphanet 791, MedGen C4225287, MONDO:0014687, OMIM 616544.

gnomAD v4.1: 1 of 1,609,160 alleles (0.000062%); highest among the groups gnomAD compares: Non-Finnish European, 0.000085%; no homozygotes.

Submissions (4):

Labcorp Genetics (formerly Invitae), Labcorp
Classification: Likely pathogenic for Retinitis pigmentosa 73; Mucopolysaccharidosis, MPS-III-C. Last evaluated: 2024-04-15. Review status: criteria provided, single submitter. Criteria: Invitae Variant Classification Sherloc (09022015). Collection method: clinical testing. Allele origin: germline.
Comment: This sequence change affects an acceptor splice site in intron 15 of the HGSNAT gene. It is expected to disrupt RNA splicing. Variants that disrupt the donor or acceptor splice site typically lead to a loss of protein function (PMID: 16199547), and loss-of-function variants in HGSNAT are known to be pathogenic (PMID: 17033958, 19479962). This variant is not present in population databases (gnomAD no frequency). Disruption of this splice site has been observed in individual(s) with mucopolysaccharidosis type IIIC (PMID: 32770643). ClinVar contains an entry for this variant (Variation ID: 1502696). Algorithms developed to predict the effect of sequence changes on RNA splicing suggest that this variant may disrupt the consensus splice site. In summary, the currently available evidence indicates that the variant is pathogenic, but additional data are needed to prove that conclusively. Therefore, this variant has been classified as Likely Pathogenic.

Natera, Inc.
Classification: Likely pathogenic for Mucopolysaccharidosis type IIIC. Last evaluated: 2024-04-05. Review status: criteria provided, single submitter. Criteria: Natera Variant Classification Schema (03/2026). Collection method: clinical testing. Allele origin: germline.
Comment: The c.1543-2A>G variant in HGSNAT is a canonical splice acceptor site variant predicted to affect pre-mRNA splicing, which may result in an abnormal transcript and altered protein product. This variant is expected to result in nonsense mediated decay, truncation, or a dysfunctional protein product. This variant is rare in the general population with a frequency below the threshold expected for the associated phenotype(s). Given the available evidence, this variant is classified as Likely Pathogenic.

Blueprint Genetics
Classification: Likely pathogenic for HGSNAT-related disorders. Last evaluated: 2023-07-14. Review status: criteria provided, single submitter. Criteria: ACMG Guidelines, 2015. Collection method: clinical testing. Allele origin: germline. Affected: yes. Observed: 2 variant alleles.

3billion
Classification: Pathogenic for Retinitis pigmentosa 73. Last evaluated: 2023-06-02. Review status: criteria provided, single submitter. Criteria: ACMG Guidelines, 2015. Collection method: clinical testing. Allele origin: germline. Affected: yes.
Comment: The variant is not observed in the gnomAD v2.1.1 dataset. Predicted Consequence/Location: Canonical splice site: predicted to alter splicing and result in a loss or disruption of normal protein function. Multiple pathogenic loss-of-function variants are reported downstream of the variant. The variant has been reported to be associated with HGSNAT related disorder (ClinVar ID: VCV001502696). Therefore, this variant is classified as Pathogenic according to the recommendation of ACMG/AMP guideline.

Literature cited by the submitters: PubMed 16199547 (cited by Labcorp Genetics (formerly Invitae), Labcorp); PubMed 17033958 (cited by Labcorp Genetics (formerly Invitae), Labcorp); PubMed 19479962 (cited by Labcorp Genetics (formerly Invitae), Labcorp); PubMed 32770643 (cited by Labcorp Genetics (formerly Invitae), Labcorp).